The following is an entry in ClinVar:

ClinVar aggregate classification (germline): Likely benign. Review status: criteria provided, multiple submitters, no conflicts (2 of 4 stars). 5 submissions from 5 submitters: Likely benign (5). Last evaluated 2025-07-03.

Conditions:
Catecholaminergic polymorphic ventricular tachycardia (CVPT). Also called: Catecholamine-induced polymorphic ventricular tachycardia. Identifiers: Orphanet 3286, MedGen C5574922, MONDO:0017990.
Catecholaminergic polymorphic ventricular tachycardia 1. Also called: RYR2-Related Catecholaminergic Polymorphic Ventricular Tachycardia; VENTRICULAR TACHYCARDIA, CATECHOLAMINERGIC POLYMORPHIC, 1, WITH OR WITHOUT ATRIAL DYSFUNCTION AND/OR DILATED CARDIOMYOPATHY; VENTRICULAR TACHYCARDIA, STRESS-INDUCED POLYMORPHIC 1. Identifiers: Orphanet 3286, MedGen C1631597, MONDO:0011484, OMIM 604772.
Cardiomyopathy (CMYO). Also called: Cardiomyopathies. Identifiers: Orphanet 167848, MedGen C0878544, MONDO:0004994, HP:0001638. Inheritance: Various modes of inheritance.
Cardiovascular phenotype. Identifiers: MedGen CN230736.

Allele frequency attached by ClinVar (database versions not stated): gnomAD exomes below 0.00001 and 0.00003; ExAC 0.00001.
gnomAD v4.1: 22 of 1,614,012 alleles (0.0014%); highest among the groups gnomAD compares: Non-Finnish European, 0.0019%; no homozygotes.

Submissions (5):

Labcorp Genetics (formerly Invitae), Labcorp
Classification: Likely benign for Catecholaminergic polymorphic ventricular tachycardia 1. Last evaluated: 2025-07-03. Review status: criteria provided, single submitter. Criteria: Invitae Variant Classification Sherloc (09022015). Collection method: clinical testing. Allele origin: germline.

All of Us Research Program, National Institutes of Health
Classification: Likely benign for Catecholaminergic polymorphic ventricular tachycardia. Last evaluated: 2023-12-13. Review status: criteria provided, single submitter. Criteria: ACMG Guidelines, 2015. Collection method: clinical testing. Allele origin: germline. Inheritance: Autosomal dominant inheritance. Observed: 5 variant alleles, 5 heterozygotes.
Comment: This study involves interpretation of variants in research participants for the purpose of population health screening. Participant phenotype was not available at the time of variant classification. Additional details can be found in publication PMID: 35346344, PMCID: PMC8962531

CHEO Genetics Diagnostic Laboratory, Children's Hospital of Eastern Ontario
Classification: Likely benign for Cardiomyopathy. Last evaluated: 2020-03-19. Review status: criteria provided, single submitter. Criteria: ACMG Guidelines, 2015. Collection method: clinical testing. Allele origin: germline.

Color Diagnostics, LLC DBA Color Health
Classification: Likely benign for Cardiomyopathy. Last evaluated: 2019-12-16. Review status: criteria provided, single submitter. Criteria: ACMG Guidelines, 2015. Collection method: clinical testing. Allele origin: germline.

Ambry Genetics
Classification: Likely benign for Cardiovascular phenotype. Last evaluated: 2019-02-08. Review status: criteria provided, single submitter. Criteria: Ambry Variant Classification Scheme 2023. Collection method: clinical testing. Allele origin: germline.

NM_001035.3(RYR2):c.3267T>C (p.Arg1089=)

Gene: RYR2 (ryanodine receptor 2; plus strand). Cytogenetic location: 1q43.
Variant type: single nucleotide variant.
Coding change: c.3267T>C on transcript NM_001035.3 (MANE Select); coding-DNA position 3267, T replaced by C.
Protein change: p.Arg1089=; no amino-acid change (arginine 1089 retained).
Molecular consequence: synonymous variant.
Genome position (GRCh38, 1-based): chr1:237,566,619, T>C. VCF-style: chr1-237566619-T-C. GRCh37 (hg19) VCF-style: chr1-237729919-T-C.
Identifiers: ClinVar variation 737122 (VCV000737122.19), dbSNP rs761738779, ClinGen allele CA086346.